The following is an entry in ClinVar:

NM_001042492.3(NF1):c.3114-2A>G

Gene: NF1 (neurofibromin 1; plus strand). Cytogenetic location: 17q11.2.
Variant type: single nucleotide variant.
Coding change: c.3114-2A>G on transcript NM_001042492.3 (MANE Select); the canonical splice acceptor site of the intron before coding-DNA position 3114, A replaced by G.
Molecular consequence: splice acceptor variant.
Genome position (GRCh38, 1-based): chr17:31,230,840, A>G. VCF-style: chr17-31230840-A-G. GRCh37 (hg19) VCF-style: chr17-29557858-A-G.
Other names: c.3114-2A>G (NM_001042492.2, NM_000267.4).
Identifiers: ClinVar variation 457623 (VCV000457623.20), dbSNP rs1428885377, ClinGen allele CA398987821.

ClinVar aggregate classification (germline): Pathogenic/Likely pathogenic. Review status: criteria provided, multiple submitters, no conflicts (2 of 4 stars). 9 submissions from 9 submitters: Pathogenic (4); Likely pathogenic (5). Last evaluated 2026-10-08.

Conditions:
Hereditary cancer-predisposing syndrome. Also called: Hereditary neoplastic syndrome; Neoplastic Syndromes, Hereditary; Tumor predisposition; Hereditary Cancer Syndrome. Identifiers: Orphanet 140162, MedGen C0027672, MeSH D009386, MONDO:0015356.
Cardiovascular phenotype. Identifiers: MedGen CN230736.
Neurofibromatosis, type 1 (NF1). Also called: VON RECKLINGHAUSEN DISEASE; Neurofibromatosis, type I; Peripheral type neurofibromatosis; NEUROFIBROMATOSIS, TYPE I, SOMATIC. Identifiers: Orphanet 636, MedGen C0027831, MONDO:0018975, OMIM 162200. Disease mechanism: loss of function.
RASopathy. Also called: rasopathies; Noonan spectrum disorder. Identifiers: Orphanet 536391, MedGen C5555857, MONDO:0021060.
Café-au-lait macules with pulmonary stenosis (WTSN). Also called: PULMONIC STENOSIS WITH CAFE-AU-LAIT SPOTS. Identifiers: MedGen C0553586, MONDO:0008672, OMIM 193520.

Allele frequency attached by ClinVar (database versions not stated): gnomAD exomes below 0.00001.
gnomAD v4.1: 1 of 1,587,998 alleles (0.000063%); highest among the groups gnomAD compares: East Asian, 0.0022%; no homozygotes.

Submissions (9):

GeneDx
Classification: Pathogenic. Last evaluated: 2026-10-08. Review status: criteria provided, single submitter. Criteria: GeneDx Variant Classification Process June 2021. Collection method: clinical testing. Allele origin: germline.
Comment: Canonical splice site variant predicted to result in an in-frame loss of the adjacent exon in a gene for which loss of function is a known mechanism of disease; Deletions involving coding exons of this gene are a known mechanism of disease (HGMD); Not observed at significant frequency in large population cohorts (gnomAD); This variant is associated with the following publications: (PMID: 24789688, 10712197, 16199547, 23913538, Ognibene2023, 39001468, 2121369, 25486365)

Labcorp Genetics (formerly Invitae), Labcorp
Classification: Pathogenic for Neurofibromatosis, type 1. Last evaluated: 2026-01-26. Review status: criteria provided, single submitter. Criteria: Invitae Variant Classification Sherloc (09022015). Collection method: clinical testing. Allele origin: germline.
Comment: This sequence change affects an acceptor splice site in intron 23 of the NF1 gene. RNA analysis indicates that disruption of this splice site induces altered splicing and likely results in a shortened protein product. This variant is not present in population databases (gnomAD no frequency). Disruption of this splice site has been observed in individual(s) with clinical features of neurofibromatosis, type 1 (PMID: 24789688, 39001468; internal data). Invitae Evidence Modeling of clinical and family history, age, sex, and reported ancestry of multiple individuals with this NF1 variant has been performed. This variant is expected to be pathogenic with a positive predictive value of at least 99%. This is a validated machine learning model that incorporates the clinical features of 1,785,918 individuals referred to our laboratory for NF1 testing. ClinVar contains an entry for this variant (Variation ID: 457623). Studies have shown that disruption of this splice site results in skipping of exon 24, but is expected to preserve the integrity of the reading-frame (internal data). For these reasons, this variant has been classified as Pathogenic.

Ambry Genetics
Classification: Likely pathogenic for Cardiovascular phenotype; Hereditary cancer-predisposing syndrome. Last evaluated: 2025-08-29. Review status: criteria provided, single submitter. Criteria: Ambry Variant Classification Scheme 2023. Collection method: clinical testing. Allele origin: germline.
Comment: The c.3114-2A>G intronic variant results from an A to G substitution two nucleotides upstream from coding exon 24 in the NF1 gene. This variant has been reported in individual(s) with a clinical or suspected diagnosis of neurofibromatosis type 1 (Xu W et al. Int J Mol Med, 2014 Jul;34:53-60). RNA studies have demonstrated that this alteration results in skipping of exon 24 (Xu W et al. Int J Mol Med, 2014 Jul;34:53-60; Ambry internal data). This nucleotide position is highly conserved in available vertebrate species. In silico splice site analysis predicts that this alteration will weaken the native splice acceptor site and will result in the creation or strengthening of a novel splice acceptor site. This variant is considered to be rare based on population cohorts in the Genome Aggregation Database (gnomAD). Based on the majority of available evidence to date, this variant is likely to be pathogenic.

NHS Central & South Genomic Laboratory Hub
Classification: Pathogenic for Neurofibromatosis type 1. Last evaluated: 2024-11-11. Review status: criteria provided, single submitter. Criteria: ACMG Guidelines, 2015. Collection method: clinical testing. Allele origin: germline. Affected: yes.

Division of Genetic & Genomic Pathology, Hong Kong Children's Hospital
Classification: Likely pathogenic for Neurofibromatosis, type 1. Last evaluated: 2024-07-22. Review status: criteria provided, single submitter. Criteria: ACMG Guidelines, 2015. Collection method: clinical testing. Allele origin: germline. Affected: yes.
Comment: NF1 c.3114-2A>G is an intronic variant affecting the canonical acceptor splice site of intron 23 of the NF1 gene. This variant is reported at an extremely low frequency in population databases (gnomAD v4.1.0: total 1 in 1,587,998 alleles). It has been deposited as likely pathogenic in ClinVar by six submitters (ClinVar accession: VCV000457623.11). The variant has been reported in patient with NF1 diagnosis (PMID: 24789688). For these reasons, this variant is classified as likely pathogenic.

3billion
Classification: Pathogenic for Café-au-lait macules with pulmonary stenosis. Last evaluated: 2023-12-12. Review status: criteria provided, single submitter. Criteria: ACMG Guidelines, 2015. Collection method: clinical testing. Allele origin: germline. Affected: yes.
Comment: The variant is not observed in the gnomAD v2.1.1 dataset. Predicted Consequence/Location: Canonical splice site: predicted to alter splicing and result in a loss or disruption of normal protein function. Multiple pathogenic loss-of-function variants are reported downstream of the variant. The variant has been reported at least twice as pathogenic with clinical assertions and evidence for the classification (ClinVar ID: VCV000457623 /PMID: 24789688). Therefore, this variant is classified as Pathogenic according to the recommendation of ACMG/AMP guideline.

Division of Human Genetics, National Health Laboratory Service/University of the Witwatersrand
Classification: Likely pathogenic for RASopathy. Last evaluated: 2023-07-01. Review status: criteria provided, single submitter. Criteria: ACMG Guidelines, 2015. Collection method: research. Allele origin: germline. Affected: yes.

Human Genetics Bochum, Ruhr University Bochum
Classification: Likely pathogenic for Neurofibromatosis, type 1. Last evaluated: 2022-08-01. Review status: criteria provided, single submitter. Criteria: ACMG Guidelines, 2015. Collection method: clinical testing. Allele origin: germline. Affected: yes.
Comment: ACMG criteria used to clasify this variant: PVS1, PM2, PP4

Genome-Nilou Lab
Classification: Likely pathogenic for Neurofibromatosis, type 1. Last evaluated: 2022-03-15. Review status: criteria provided, single submitter. Criteria: ACMG Guidelines, 2015. Collection method: clinical testing. Allele origin: germline. Affected: no.

Literature cited by the submitters: PubMed 24789688 (cited by 4 submitters); PubMed 39001468 (cited by Labcorp Genetics (formerly Invitae), Labcorp).